The following is an entry in ClinVar:

NM_000268.4(NF2):c.1588G>C (p.Glu530Gln)

Gene: NF2 (NF2, moesin-ezrin-radixin like (MERLIN) tumor suppressor; plus strand). Cytogenetic location: 22q12.2.
Variant type: single nucleotide variant.
Coding change: c.1588G>C on transcript NM_000268.4 (MANE Select); coding-DNA position 1588, G replaced by C.
Protein change: p.Glu530Gln; replaces glutamic acid 530 with glutamine.
Molecular consequence: missense variant. On other transcripts: intron variant (3).
Genome position (GRCh38, 1-based): chr22:29,681,452, G>C. VCF-style: chr22-29681452-G-C. GRCh37 (hg19) VCF-style: chr22-30077441-G-C.
Other names: c.1474G>C, p.Glu492Gln (NM_001407053.1, NM_001407056.1); c.1465G>C, p.Glu489Gln (NM_001407054.1, NM_001407058.1, NM_181829.3); c.1462G>C, p.Glu488Gln (NM_001407055.1, NM_181828.3); c.1453G>C, p.Glu485Gln (NM_001407057.1, NM_001407059.1); c.1330G>C, p.Glu444Gln (NM_001407062.1); c.1339G>C, p.Glu447Gln (NM_001407063.1, NM_181830.3, NM_181831.3); c.1054G>C, p.Glu352Gln (NM_001407065.1); c.1588G>C, p.Glu530Gln (NM_001407066.1, NM_016418.5, NM_181825.3 and 1 more transcripts); and 4 more; short protein forms E444Q, E530Q, E488Q, E492Q, E352Q, E453Q, E485Q, E447Q.
Identifiers: ClinVar variation 3879179 (VCV003879179.1).

ClinVar aggregate classification (germline): Uncertain significance (1 of 4 stars; one submission).

Conditions:
Hereditary cancer-predisposing syndrome. Also called: Tumor predisposition; Neoplastic Syndromes, Hereditary; Hereditary Cancer Syndrome; Hereditary neoplastic syndrome. Identifiers: Orphanet 140162, MedGen C0027672, MeSH D009386, MONDO:0015356.

Submission:

Ambry Genetics
Classification: Uncertain significance for Hereditary cancer-predisposing syndrome. Last evaluated: 2025-02-07. Review status: criteria provided, single submitter. Criteria: Ambry Variant Classification Scheme 2023. Collection method: clinical testing. Allele origin: germline.
Comment: The p.E530Q variant (also known as c.1588G>C), located in coding exon 15 of the NF2 gene, results from a G to C substitution at nucleotide position 1588. The glutamic acid at codon 530 is replaced by glutamine, an amino acid with highly similar properties. This amino acid position is conserved. In addition, the in silico prediction for this alteration is inconclusive. Based on the available evidence, the clinical significance of this variant remains unclear.